The following is an entry in ClinVar:

NM_004260.4(RECQL4):c.2953G>C (p.Val985Leu)

Gene: RECQL4 (RecQ like helicase 4; minus strand). Cytogenetic location: 8q24.3.
Variant type: single nucleotide variant.
Coding change: c.2953G>C on transcript NM_004260.4 (MANE Select); coding-DNA position 2953, G replaced by C.
Protein change: p.Val985Leu; replaces valine 985 with leucine.
Molecular consequence: missense variant.
Genome position (GRCh38, 1-based): chr8:144,512,494, C>G on the plus strand (G>C on the coding strand, the complement: RECQL4 is on the minus strand). VCF-style: chr8-144512494-C-G. GRCh37 (hg19) VCF-style: chr8-145737877-C-G.
Other names: short protein forms V985L.
Identifiers: ClinVar variation 968570 (VCV000968570.7), dbSNP rs200629599, ClinGen allele CA372673200.

ClinVar aggregate classification (germline): Uncertain significance. Review status: criteria provided, multiple submitters, no conflicts (2 of 4 stars). 2 submissions from 2 submitters: Uncertain significance (2). Last evaluated 2025-10-25.

Conditions:
Baller-Gerold syndrome (BGS). Also called: CRANIOSYNOSTOSIS WITH RADIAL DEFECTS. Identifiers: Orphanet 1225, MedGen C0265308, MONDO:0009039, OMIM 218600.
Rothmund-Thomson syndrome type 2 (RTS2). Identifiers: Orphanet 221016, MedGen C5203410, MONDO:0016369, OMIM 268400.

gnomAD v4.1: 34 of 1,612,482 alleles (0.0021%); highest among the groups gnomAD compares: Non-Finnish European, 0.0028%; no homozygotes.

Submissions (2):

Labcorp Genetics (formerly Invitae), Labcorp
Classification: Uncertain significance for Baller-Gerold syndrome. Last evaluated: 2025-10-25. Review status: criteria provided, single submitter. Criteria: Invitae Variant Classification Sherloc (09022015). Collection method: clinical testing. Allele origin: germline.
Comment: This sequence change replaces valine, which is neutral and non-polar, with leucine, which is neutral and non-polar, at codon 985 of the RECQL4 protein (p.Val985Leu). This variant is not present in population databases (gnomAD no frequency). This variant has not been reported in the literature in individuals affected with RECQL4-related conditions. ClinVar contains an entry for this variant (Variation ID: 968570). Invitae Evidence Modeling of protein sequence and biophysical properties (such as structural, functional, and spatial information, amino acid conservation, physicochemical variation, residue mobility, and thermodynamic stability) indicates that this missense variant is not expected to disrupt RECQL4 protein function with a negative predictive value of 80%. In summary, the available evidence is currently insufficient to determine the role of this variant in disease. Therefore, it has been classified as a Variant of Uncertain Significance.

St. Jude Molecular Pathology, St. Jude Children's Research Hospital
Classification: Uncertain significance for Rothmund-Thomson syndrome type 2. Last evaluated: 2023-01-19. Review status: criteria provided, single submitter. Criteria: St. Jude Assertion Criteria 2020. Collection method: clinical testing. Allele origin: germline.
Comment: The RECQL4 c.2953G>C (p.Val985Leu) missense change is absent in gnomAD v2.1.1. In silico tools predict a benign effect of this variant on protein function, and to our knowledge functional studies have not been performed. To our knowledge, this variant has not been reported in individuals with RECQL4-associated conditions. In summary, the evidence currently available is insufficient to determine the clinical significance of this variant. It has therefore been classified as of uncertain significance.